The following is an entry in ClinVar:

ClinVar aggregate classification (germline): Likely benign. Review status: criteria provided, multiple submitters, no conflicts (2 of 4 stars). 4 submissions from 4 submitters: Likely benign (4). Last evaluated 2025-11-23.

Conditions:
HSPB8-related disorder. Also called: HSPB8-related condition.
Charcot-Marie-Tooth disease axonal type 2L. Also called: CHARCOT-MARIE-TOOTH DISEASE, AXONAL, AUTOSOMAL DOMINANT, TYPE 2L; CHARCOT-MARIE-TOOTH NEUROPATHY, AXONAL, TYPE 2L; Charcot-Marie-Tooth Neuropathy Type 2L. Identifiers: Orphanet 99945, MedGen C1837552, MONDO:0012096, OMIM 608673.

Allele frequency attached by ClinVar (database versions not stated): ExAC 0.00002; gnomAD 0.00003; gnomAD exomes 0.00003; TOPMed 0.00003.

Submissions (4):

Labcorp Genetics (formerly Invitae), Labcorp
Classification: Likely benign for Charcot-Marie-Tooth disease axonal type 2L. Last evaluated: 2025-11-23. Review status: criteria provided, single submitter. Criteria: Invitae Variant Classification Sherloc (09022015). Collection method: clinical testing. Allele origin: germline.

PreventionGenetics, part of Exact Sciences
Classification: Likely benign for HSPB8-related condition. Last evaluated: 2025-04-10. Review status: criteria provided, single submitter. Criteria: ACMG Guidelines, 2015. Collection method: clinical testing. Allele origin: germline.
Comment: This variant is classified as likely benign based on ACMG/AMP sequence variant interpretation guidelines (Richards et al. 2015 PMID: 25741868, with internal and published modifications).

CeGaT Center for Human Genetics Tuebingen
Classification: Likely benign. Last evaluated: 2024-02-01. Review status: criteria provided, single submitter. Criteria: CeGaT Center For Human Genetics Tuebingen Variant Classification Criteria Version 2. Collection method: clinical testing. Allele origin: germline. Affected: yes. Observed: 1 variant allele.
Comment: HSPB8: BP4

ARUP Laboratories, Molecular Genetics and Genomics, ARUP Laboratories
Classification: Likely benign. Last evaluated: 2020-12-02. Review status: criteria provided, single submitter. Criteria: ARUP Molecular Germline Variant Investigation Process 2021. Collection method: clinical testing. Allele origin: germline.

NM_014365.3(HSPB8):c.534A>G (p.Gly178=)

Gene: HSPB8 (heat shock protein family B (small) member 8; plus strand). Cytogenetic location: 12q24.23.
Variant type: single nucleotide variant.
Coding change: c.534A>G on transcript NM_014365.3 (MANE Select); coding-DNA position 534, A replaced by G.
Protein change: p.Gly178=; no amino-acid change (glycine 178 retained).
Molecular consequence: synonymous variant.
Genome position (GRCh38, 1-based): chr12:119,193,801, A>G. VCF-style: chr12-119193801-A-G. GRCh37 (hg19) VCF-style: chr12-119631606-A-G.
Other names: c.534A>G (NM_014365.2).
Identifiers: ClinVar variation 1153875 (VCV001153875.38), dbSNP rs756610498, ClinGen allele CA6819623.